The following is an entry in ClinVar:

NM_000154.2(GALK1):c.934C>T (p.Arg312Cys)

Gene: GALK1 (galactokinase 1; minus strand). Cytogenetic location: 17q25.1.
Variant type: single nucleotide variant.
Coding change: c.934C>T on transcript NM_000154.2 (MANE Select); coding-DNA position 934, C replaced by T.
Protein change: p.Arg312Cys; replaces arginine 312 with cysteine.
Molecular consequence: missense variant.
Genome position (GRCh38, 1-based): chr17:75,758,459, G>A on the plus strand (C>T on the coding strand, the complement: GALK1 is on the minus strand). VCF-style: chr17-75758459-G-A. GRCh37 (hg19) VCF-style: chr17-73754540-G-A.
Other names: short protein forms R312C.
Identifiers: ClinVar variation 703465 (VCV000703465.17), dbSNP rs201972845, ClinGen allele CA8770786.
Genomic context (GRCh38, chr17:75,758,459, plus strand): 5'-GCCTGGGCCGGCCTGTGCCCGGCAGGAGCGGGGCGCCCAGAGGGCCTCACCTGAGTGAGC[G>A]GTGGCTCTCCACCATGAGGCGGCCAAAGGCTCTGTAGTCGCCACGTCTCAGGGCGGCCGC-3'
Protein context (NP_000145.1, residues 302-322): AFGRLMVESH[Arg312Cys]SLRDDYEVSC

ClinVar aggregate classification (germline): Benign. Review status: criteria provided, single submitter (1 of 4 stars). 3 submissions from 3 submitters: Benign (1). 2 of the submissions do not count toward it. Last evaluated 2025-12-19.

Conditions:
GALK1-related disorder. Also called: GALK1-related condition.
Deficiency of galactokinase. Also called: Galactokinase deficiency with cataracts; GALACTOSEMIA II. Identifiers: Orphanet 352, Orphanet 79237, MedGen C0268155, MONDO:0009255, OMIM 230200.

Allele frequency attached by ClinVar (database versions not stated): TOPMed 0.00011; 1000 Genomes Project 30x 0.00062; 1000 Genomes Project 0.00080; ExAC 0.00160; gnomAD 0.00163 and 0.00173; gnomAD exomes 0.00189.
gnomAD v4.1: 1,309 of 1,574,968 alleles (0.083%); highest among the groups gnomAD compares: Middle Eastern, 0.017%; 11 homozygotes.

Submissions (3):

Labcorp Genetics (formerly Invitae), Labcorp
Classification: Benign for Deficiency of galactokinase. Last evaluated: 2025-12-19. Review status: criteria provided, single submitter. Criteria: Invitae Variant Classification Sherloc (09022015). Collection method: clinical testing. Allele origin: germline.

Natera, Inc.
Classification: Uncertain significance for Deficiency of galactokinase. Last evaluated: 2020-01-24. Review status: no assertion criteria provided. Collection method: clinical testing. Allele origin: germline. Not counted in ClinVar's aggregate classification.

PreventionGenetics, part of Exact Sciences
Classification: Benign for GALK1-related condition. Last evaluated: 2019-07-14. Review status: no assertion criteria provided. Collection method: clinical testing. Allele origin: germline. Not counted in ClinVar's aggregate classification.
Comment: This variant is classified as benign based on ACMG/AMP sequence variant interpretation guidelines (Richards et al. 2015 PMID: 25741868, with internal and published modifications).